The following is an entry in ClinVar:

NM_182760.4(SUMF1):c.251_253dup (p.Arg84dup)

Genes: SUMF1 (sulfatase modifying factor 1; minus strand), LOC129936056 (ATAC-STARR-seq lymphoblastoid silent region 14016; plus strand). Cytogenetic location: 3p26.1.
Variant type: Duplication.
Coding change: c.251_253dup on transcript NM_182760.4 (MANE Select); coding-DNA positions 251 to 253, 3 bases duplicated (GGC; older notation c.251_253dupGGC).
Protein change: p.Arg84dup; duplicates arginine 84.
Molecular consequence: inframe insertion.
Genome position (GRCh38, 1-based): chr3:4,466,993-4,466,995, GCC duplicated on the plus strand (GGC on the coding strand, the reverse complement: SUMF1 is on the minus strand); duplicating any 3 consecutive bases within chr3:4,466,993-4,466,997 gives the same sequence; the c. name uses the placement nearest the transcript's 3' end. VCF-style (leftmost placement, unchanged base first): chr3-4466992-T-TGCC. GRCh37 (hg19) VCF-style: chr3-4508676-T-TGCC.
Other names: c.251_253dup, p.Arg84dup (NM_001164674.2, NM_001164675.2).
Identifiers: ClinVar variation 1516381 (VCV001516381.5), dbSNP rs1362011601, ClinGen allele CA541029684.

ClinVar aggregate classification (germline): Uncertain significance (1 of 4 stars; one submission).

Conditions:
Multiple sulfatase deficiency (MSD). Also called: Mucosulfatidosis; Multiple Sulfatase Deficiency Disease; Sulfatidosis, Juvenile, Austin Type. Identifiers: Orphanet 585, MedGen C0268263, MONDO:0010088, OMIM 272200.

Submission:

Labcorp Genetics (formerly Invitae), Labcorp
Classification: Uncertain significance for Multiple sulfatase deficiency. Last evaluated: 2022-07-19. Review status: criteria provided, single submitter. Criteria: Invitae Variant Classification Sherloc (09022015). Collection method: clinical testing. Allele origin: germline.
Comment: This variant, c.251_253dup, results in the insertion of 1 amino acid(s) of the SUMF1 protein (p.Arg84dup), but otherwise preserves the integrity of the reading frame. This variant is present in population databases (no rsID available, gnomAD 0.001%). This variant has not been reported in the literature in individuals affected with SUMF1-related conditions. ClinVar contains an entry for this variant (Variation ID: 1516381). Experimental studies and prediction algorithms are not available or were not evaluated, and the functional significance of this variant is currently unknown. In summary, the available evidence is currently insufficient to determine the role of this variant in disease. Therefore, it has been classified as a Variant of Uncertain Significance.